The following is an entry in ClinVar:

NM_024592.5(SRD5A3):c.566A>C (p.Tyr189Ser)

Genes: SRD5A3 (steroid 5 alpha-reductase 3; plus strand), SRD5A3-AS1 (SRD5A3 antisense RNA 1; minus strand). Cytogenetic location: 4q12.
Variant type: single nucleotide variant.
Coding change: c.566A>C on transcript NM_024592.5 (MANE Select); coding-DNA position 566, A replaced by C.
Protein change: p.Tyr189Ser; replaces tyrosine 189 with serine.
Molecular consequence: missense variant.
Genome position (GRCh38, 1-based): chr4:55,367,591, A>C. VCF-style: chr4-55367591-A-C. GRCh37 (hg19) VCF-style: chr4-56233758-A-C.
Other names: short protein forms Y189S.
Identifiers: ClinVar variation 212303 (VCV000212303.48), dbSNP rs35496669, ClinGen allele CA205984.
Genomic context (GRCh38, chr4:55,367,591, plus strand): 5'-TAATTCCCTGAGCCTGTGAAATTGTTTAGTGTTGGCTAACAATTCTCATTCCTATAGCCT[A>C]CATAACAGGGAAAAATCTATTGATGCAAGCACGGTGGTTCCATATTCTTGGGATGATGAT-3'
Protein context (NP_078868.1, residues 179-199): SQVPMDGRNA[Tyr189Ser]ITGKNLLMQA

ClinVar aggregate classification (germline): Conflicting classifications of pathogenicity. Review status: criteria provided, conflicting classifications (1 of 4 stars). 7 submissions from 7 submitters: Uncertain significance (2); Likely benign (5). Last evaluated 2025-10-03.

Conditions:
SRD5A3-related disorder. Also called: SRD5A3-Related Disorders; SRD5A3-related condition.
SRD5A3-congenital disorder of glycosylation. Also called: Ocular colobomas, ichthyosis, brain malformations and endocrine abnormalities; SRD5A3-CDG; CDG Iq; COLOBOMA, OCULAR, WITH ICHTHYOSIS, BRAIN MALFORMATIONS, AND ENDOCRINE ABNORMALITIES; Congenital disorder of glycosylation type 1Q. Identifiers: Orphanet 324737, MedGen C4317224, MONDO:0012885, OMIM 612379.

Allele frequency attached by ClinVar (database versions not stated): gnomAD exomes 0.00031; ExAC 0.00037; gnomAD 0.00097 and 0.00101; TOPMed 0.00125; ESP Exome Variant Server 0.00138; 1000 Genomes Project 0.00160; 1000 Genomes Project 30x 0.00187.
gnomAD v4.1: 297 of 1,614,084 alleles (0.018%); highest among the groups gnomAD compares: African/African-American, 0.31%; 3 homozygotes.

Submissions (7):

Labcorp Genetics (formerly Invitae), Labcorp
Classification: Likely benign for SRD5A3-congenital disorder of glycosylation. Last evaluated: 2025-10-03. Review status: criteria provided, single submitter. Criteria: Invitae Variant Classification Sherloc (09022015). Collection method: clinical testing. Allele origin: germline.

PreventionGenetics, part of Exact Sciences
Classification: Likely benign for SRD5A3-related condition. Last evaluated: 2024-12-06. Review status: criteria provided, single submitter. Criteria: ACMG Guidelines, 2015. Collection method: clinical testing. Allele origin: germline.
Comment: This variant is classified as likely benign based on ACMG/AMP sequence variant interpretation guidelines (Richards et al. 2015 PMID: 25741868, with internal and published modifications).

Blueprint Genetics
Classification: Likely benign. Last evaluated: 2024-11-01. Review status: criteria provided, single submitter. Criteria: ACMG Guidelines, 2015. Collection method: clinical testing. Allele origin: germline.

CeGaT Center for Human Genetics Tuebingen
Classification: Likely benign. Last evaluated: 2023-09-01. Review status: criteria provided, single submitter. Criteria: CeGaT Center For Human Genetics Tuebingen Variant Classification Criteria Version 2. Collection method: clinical testing. Allele origin: germline. Affected: yes. Observed: 1 variant allele.
Comment: SRD5A3: BP4, BS2

GeneDx
Classification: Likely benign. Last evaluated: 2019-07-03. Review status: criteria provided, single submitter. Criteria: GeneDx Variant Classification Process June 2021. Collection method: clinical testing. Allele origin: germline. Affected: yes.

Illumina Laboratory Services, Illumina
Classification: Uncertain significance for SRD5A3-congenital disorder of glycosylation. Last evaluated: 2018-01-13. Review status: criteria provided, single submitter. Criteria: ICSL Variant Classification Criteria 13 December 2019. Collection method: clinical testing. Allele origin: germline.

Genetic Services Laboratory, University of Chicago
Classification: Uncertain significance. Last evaluated: 2015-03-10. Review status: criteria provided, single submitter. Criteria: ACMG Guidelines, 2015. Collection method: clinical testing. Allele origin: germline.